The following is an entry in ClinVar:

NM_001164508.2(NEB):c.11911A>G (p.Lys3971Glu)

Gene: NEB (nebulin; minus strand). Cytogenetic location: 2q23.3.
Variant type: single nucleotide variant.
Coding change: c.11911A>G on transcript NM_001164508.2 (MANE Select); coding-DNA position 11911, A replaced by G.
Protein change: p.Lys3971Glu; replaces lysine 3971 with glutamic acid.
Molecular consequence: missense variant.
Genome position (GRCh38, 1-based): chr2:151,610,623, T>C on the plus strand (A>G on the coding strand, the complement: NEB is on the minus strand). VCF-style: chr2-151610623-T-C. GRCh37 (hg19) VCF-style: chr2-152467137-T-C.
Other names: c.11911A>G, p.Lys3971Glu (NM_001164507.2, NM_001271208.2); c.11182A>G, p.Lys3728Glu (NM_004543.5); short protein forms K3971E, K3728E.
Identifiers: ClinVar variation 1350135 (VCV001350135.6), dbSNP rs762228870, ClinGen allele CA348778320.

ClinVar aggregate classification (germline): Uncertain significance (1 of 4 stars; one submission).

Conditions:
Nemaline myopathy 2 (NEM2). Also called: Nemaline myopathy 2, autosomal recessive. Identifiers: MedGen C1850569, MONDO:0009725, OMIM 256030.

Submission:

Labcorp Genetics (formerly Invitae), Labcorp
Classification: Uncertain significance for Nemaline myopathy 2. Last evaluated: 2021-11-07. Review status: criteria provided, single submitter. Criteria: Invitae Variant Classification Sherloc (09022015). Collection method: clinical testing. Allele origin: germline.
Comment: This sequence change replaces lysine, which is basic and polar, with glutamic acid, which is acidic and polar, at codon 3971 of the NEB protein (p.Lys3971Glu). This variant is not present in population databases (gnomAD no frequency). This variant has not been reported in the literature in individuals affected with NEB-related conditions. Algorithms developed to predict the effect of missense changes on protein structure and function are either unavailable or do not agree on the potential impact of this missense change (SIFT: "Deleterious"; PolyPhen-2: "Not Available"; Align-GVGD: "Class C0"). In summary, the available evidence is currently insufficient to determine the role of this variant in disease. Therefore, it has been classified as a Variant of Uncertain Significance.